The following is an entry in ClinVar:

ClinVar aggregate classification (germline): Uncertain significance (1 of 4 stars; one submission).

Conditions:
Congenital myasthenic syndrome 13 (CMS13). Also called: Myasthenic syndrome, congenital, with tubular aggregates 2; Myasthenic syndrome, congenital, 13, with tubular aggregates. Identifiers: Orphanet 353327, Orphanet 590, MedGen C3553645, MONDO:0013883, OMIM 614750.

Submission:

Kariminejad - Najmabadi Pathology & Genetics Center
Classification: Uncertain significance for Congenital myasthenic syndrome 13. Last evaluated: 2024-04-30. Review status: criteria provided, single submitter. Criteria: ACMG Guidelines, 2015. Collection method: clinical testing. Allele origin: germline. Inheritance: Autosomal recessive inheritance. Affected: yes.
Comment: PM2- PP3-MODERATE- PP2

NM_001382.4(DPAGT1):c.934G>C (p.Gly312Arg)

Gene: DPAGT1 (dolichyl-phosphate N-acetylglucosaminephosphotransferase 1; minus strand). Cytogenetic location: 11q23.3.
Variant type: single nucleotide variant.
Coding change: c.934G>C on transcript NM_001382.4 (MANE Select); coding-DNA position 934, G replaced by C.
Protein change: p.Gly312Arg; replaces glycine 312 with arginine.
Molecular consequence: missense variant.
Genome position (GRCh38, 1-based): chr11:119,097,535, C>G on the plus strand (G>C on the coding strand, the complement: DPAGT1 is on the minus strand). VCF-style: chr11-119097535-C-G. GRCh37 (hg19) VCF-style: chr11-118968245-C-G.
Other names: short protein forms G312R.
Identifiers: ClinVar variation 3896846 (VCV003896846.1).